The following is an entry in ClinVar:

ClinVar aggregate classification (germline): Uncertain significance (1 of 4 stars; one submission).

Conditions:
CHARGE syndrome (CHARGE). Also called: Hittner Hirsch Kreh syndrome; CHARGE ASSOCIATION--COLOBOMA, HEART ANOMALY, CHOANAL ATRESIA, RETARDATION, GENITAL AND EAR ANOMALIES; Coloboma, heart anomaly, choanal atresia, retardation, genital and ear anomalies; CHARGE association; Hall-Hittner syndrome. Identifiers: Orphanet 138, MedGen C0265354, MONDO:0008965.

gnomAD v4.1: 3 of 1,613,936 alleles (0.00019%); highest among the groups gnomAD compares: Admixed American, 0.0017%; no homozygotes.

Submission:

Labcorp Genetics (formerly Invitae), Labcorp
Classification: Uncertain significance for CHARGE syndrome. Last evaluated: 2026-01-30. Review status: criteria provided, single submitter. Criteria: Invitae Variant Classification Sherloc (09022015). Collection method: clinical testing. Allele origin: germline.
Comment: This sequence change replaces arginine, which is basic and polar, with threonine, which is neutral and polar, at codon 739 of the SEMA3E protein (p.Arg739Thr). This variant is present in population databases (no rsID available, gnomAD 0.004%). This variant has not been reported in the literature in individuals affected with SEMA3E-related conditions. An algorithm developed to predict the effect of missense changes on protein structure and function (PolyPhen-2) suggests that this variant is likely to be tolerated. In summary, the available evidence is currently insufficient to determine the role of this variant in disease. Therefore, it has been classified as a Variant of Uncertain Significance.

NM_012431.3(SEMA3E):c.2216G>C (p.Arg739Thr)

Gene: SEMA3E (semaphorin 3E; minus strand). Cytogenetic location: 7q21.11.
Variant type: single nucleotide variant.
Coding change: c.2216G>C on transcript NM_012431.3 (MANE Select); coding-DNA position 2216, G replaced by C.
Protein change: p.Arg739Thr; replaces arginine 739 with threonine.
Molecular consequence: missense variant.
Genome position (GRCh38, 1-based): chr7:83,367,698, C>G on the plus strand (G>C on the coding strand, the complement: SEMA3E is on the minus strand). VCF-style: chr7-83367698-C-G. GRCh37 (hg19) VCF-style: chr7-82997014-C-G.
Other names: c.2036G>C, p.Arg679Thr (NM_001178129.2); short protein forms R679T, R739T.
Identifiers: ClinVar variation 4750406 (VCV004750406.1).